The following is an entry in ClinVar:

NM_031157.4(HNRNPA1):c.462C>T (p.Asp154=)

Gene: HNRNPA1 (heterogeneous nuclear ribonucleoprotein A1; plus strand). Cytogenetic location: 12q13.13.
Variant type: single nucleotide variant.
Coding change: c.462C>T on transcript NM_031157.4 (MANE Select); coding-DNA position 462, C replaced by T.
Protein change: p.Asp154=; no amino-acid change (aspartic acid 154 retained).
Molecular consequence: synonymous variant. On other transcripts: non-coding transcript variant (1).
Genome position (GRCh38, 1-based): chr12:54,282,272, C>T. VCF-style: chr12-54282272-C-T. GRCh37 (hg19) VCF-style: chr12-54676056-C-T.
Other names: c.462C>T, p.Asp154= (NM_002136.4).
Identifiers: ClinVar variation 3052369 (VCV003052369.2), dbSNP rs536130883, ClinGen allele CA6606208.

ClinVar aggregate classification (germline): Likely benign (0 of 4 stars; one submission).

Conditions:
HNRNPA1-related disorder. Also called: HNRNPA1-related condition.

Allele frequency attached by ClinVar (database versions not stated): gnomAD 0.00003; gnomAD exomes 0.00003; TOPMed 0.00003; ExAC 0.00007; 1000 Genomes Project 30x 0.00016.
gnomAD v4.1: 58 of 1,613,448 alleles (0.0036%); highest among the groups gnomAD compares: South Asian, 0.033%; no homozygotes.

Submission:

PreventionGenetics, part of Exact Sciences
Classification: Likely benign for HNRNPA1-related condition. Last evaluated: 2019-02-26. Review status: no assertion criteria provided. Collection method: clinical testing. Allele origin: germline.
Comment: This variant is classified as likely benign based on ACMG/AMP sequence variant interpretation guidelines (Richards et al. 2015 PMID: 25741868, with internal and published modifications).